The following is an entry in ClinVar:

NM_017617.5(NOTCH1):c.2086G>A (p.Gly696Ser)

Gene: NOTCH1 (notch receptor 1; minus strand). Cytogenetic location: 9q34.3.
Variant type: single nucleotide variant.
Coding change: c.2086G>A on transcript NM_017617.5 (MANE Select); coding-DNA position 2086, G replaced by A.
Protein change: p.Gly696Ser; replaces glycine 696 with serine.
Molecular consequence: missense variant.
Genome position (GRCh38, 1-based): chr9:136,514,631, C>T on the plus strand (G>A on the coding strand, the complement: NOTCH1 is on the minus strand). VCF-style: chr9-136514631-C-T. GRCh37 (hg19) VCF-style: chr9-139409083-C-T.
Other names: c.2086G>A (NM_017617.3); short protein forms G696S.
Identifiers: ClinVar variation 1435598 (VCV001435598.10), dbSNP rs373556820, ClinGen allele CA5341487.

ClinVar aggregate classification (germline): Conflicting classifications of pathogenicity. Review status: criteria provided, conflicting classifications (1 of 4 stars). 3 submissions from 3 submitters: Uncertain significance (2); Benign (1). Last evaluated 2025-12-11.

Conditions:
Familial thoracic aortic aneurysm and aortic dissection (TAAD). Also called: Thoracic aortic aneurysms and dissections. Identifiers: Orphanet 91387, MedGen C4707243, MONDO:0019625.
Adams-Oliver syndrome 5 (AOS5). Identifiers: Orphanet 974, MedGen C4014970, MONDO:0014459, OMIM 616028.

Allele frequency attached by ClinVar (database versions not stated): gnomAD 0.00002 and 0.00004; TOPMed 0.00002; gnomAD exomes 0.00003; ExAC 0.00004; ESP Exome Variant Server 0.00008; 1000 Genomes Project 0.00040; 1000 Genomes Project 30x 0.00062.
gnomAD v4.1: 45 of 1,611,732 alleles (0.0028%); highest among the groups gnomAD compares: East Asian, 0.018%; no homozygotes.

Submissions (3):

Ambry Genetics
Classification: Uncertain significance for Familial thoracic aortic aneurysm and aortic dissection. Last evaluated: 2025-12-11. Review status: criteria provided, single submitter. Criteria: Ambry Variant Classification Scheme 2023. Collection method: clinical testing. Allele origin: germline.

Labcorp Genetics (formerly Invitae), Labcorp
Classification: Benign for Adams-Oliver syndrome 5. Last evaluated: 2025-06-25. Review status: criteria provided, single submitter. Criteria: Invitae Variant Classification Sherloc (09022015). Collection method: clinical testing. Allele origin: germline.

GeneDx
Classification: Uncertain significance. Last evaluated: 2024-06-17. Review status: criteria provided, single submitter. Criteria: GeneDx Variant Classification Process June 2021. Collection method: clinical testing. Allele origin: germline. Affected: yes.
Comment: Identified de novo in a cohort of patients with developmental disorders (PMID: 33057194); In silico analysis indicates that this missense variant does not alter protein structure/function; This variant is associated with the following publications: (PMID: 35982159, 33057194)